The following is an entry in ClinVar:

NM_000458.4(HNF1B):c.1414G>A (p.Val472Ile)

Gene: HNF1B (HNF1 homeobox B; minus strand). Cytogenetic location: 17q12.
Variant type: single nucleotide variant.
Coding change: c.1414G>A on transcript NM_000458.4 (MANE Select); coding-DNA position 1414, G replaced by A.
Protein change: p.Val472Ile; replaces valine 472 with isoleucine.
Molecular consequence: missense variant. On other transcripts: intron variant (1).
Genome position (GRCh38, 1-based): chr17:37,701,103, C>T on the plus strand (G>A on the coding strand, the complement: HNF1B is on the minus strand). VCF-style: chr17-37701103-C-T. GRCh37 (hg19) VCF-style: chr17-36061108-C-T.
Other names: c.1336G>A, p.Val446Ile (NM_001165923.4); c.1261+3814G>A (NM_001304286.2); short protein forms V472I, V446I.
Identifiers: ClinVar variation 289037 (VCV000289037.8), dbSNP rs762841746, ClinGen allele CA8518827.

ClinVar aggregate classification (germline): Conflicting classifications of pathogenicity. Review status: criteria provided, conflicting classifications (1 of 4 stars). 4 submissions from 4 submitters: Uncertain significance (2); Likely benign (1). 1 of the submissions does not count toward it. Last evaluated 2016-06-21.

Conditions:
Maturity-onset diabetes of the young (MODY). Also called: Maturity onset diabetes mellitus in young. Identifiers: Orphanet 552, MedGen C0342276, MONDO:0018911, HP:0004904.

Allele frequency attached by ClinVar (database versions not stated): TOPMed below 0.00001; gnomAD 0.00001; gnomAD exomes 0.00001; ExAC 0.00005.
gnomAD v4.1: 14 of 1,553,040 alleles (0.0009%); highest among the groups gnomAD compares: South Asian, 0.0012%; no homozygotes.

Submissions (4):

Eurofins Ntd Llc (ga)
Classification: Uncertain significance. Last evaluated: 2016-06-21. Review status: criteria provided, single submitter. Criteria: EGL Classification Definitions 2015. Collection method: clinical testing. Allele origin: germline. Observed: 1 variant allele, 1 heterozygote.

Breakthrough Genomics
Classification: Uncertain significance. Review status: criteria provided, single submitter. Criteria: ACMG Guidelines, 2015. Collection method: not provided. Allele origin: germline. Inheritance: Autosomal dominant inheritance. Affected: yes.

Clinical Genomics, Uppaluri K&H Personalized Medicine Clinic
Classification: Likely benign for Maturity-onset diabetes of the young. Review status: criteria provided, single submitter. Criteria: K & H Uppaluri Personalized Medicine Clinic Variant Classification & Assertion Criteria_Updated V.1. Collection method: research. Allele origin: unknown. Inheritance: Autosomal dominant inheritance.
Comment: HNF1B gene mutations are associated with early onset diabetes and pancreatic atrophy. It is also associated with multiple renal manifestations including renal cysts, Tubulointerstitial disease, glomerulocystic disease, renal hypoplasia, hypomagnesemia. However no sufficient evidence is found to ascertain the role of this particular variant rs762841746, yet.

Gharavi Laboratory, Columbia University
Classification: Uncertain significance. Last evaluated: 2018-09-16. Review status: no assertion criteria provided. Criteria: ACMG Guidelines, 2015. Collection method: research. Allele origin: germline. Affected: no. Not counted in ClinVar's aggregate classification.

Literature cited by the submitters: PubMed 24897035 (cited by Clinical Genomics, Uppaluri K&H Personalized Medicine Clinic); PubMed 25536396 (cited by Clinical Genomics, Uppaluri K&H Personalized Medicine Clinic); PubMed 27615128 (cited by Clinical Genomics, Uppaluri K&H Personalized Medicine Clinic); PubMed 28215227 (cited by Clinical Genomics, Uppaluri K&H Personalized Medicine Clinic); PubMed 33434175 (cited by Clinical Genomics, Uppaluri K&H Personalized Medicine Clinic); PubMed 25741167 (cited by Clinical Genomics, Uppaluri K&H Personalized Medicine Clinic); PubMed 26340261 (cited by Clinical Genomics, Uppaluri K&H Personalized Medicine Clinic); PubMed 19639018 (cited by Clinical Genomics, Uppaluri K&H Personalized Medicine Clinic).